The following is an entry in ClinVar:

ClinVar aggregate classification (germline): Pathogenic (1 of 4 stars; one submission).

Conditions:
Hypertrophic cardiomyopathy. Also called: HYPERTROPHIC MYOCARDIOPATHY. Identifiers: Orphanet 217569, MedGen C0007194, MeSH D002312, MONDO:0005045, HP:0001639.

Submission:

Labcorp Genetics (formerly Invitae), Labcorp
Classification: Pathogenic for Hypertrophic cardiomyopathy. Last evaluated: 2022-07-19. Review status: criteria provided, single submitter. Criteria: Invitae Variant Classification Sherloc (09022015). Collection method: clinical testing. Allele origin: germline.
Comment: This variant is not present in population databases (gnomAD no frequency). This sequence change creates a premature translational stop signal (p.Gly868Alafs*8) in the MYBPC3 gene. It is expected to result in an absent or disrupted protein product. Loss-of-function variants in MYBPC3 are known to be pathogenic (PMID: 19574547). This variant has not been reported in the literature in individuals affected with MYBPC3-related conditions. For these reasons, this variant has been classified as Pathogenic. Algorithms developed to predict the effect of sequence changes on RNA splicing suggest that this variant may disrupt the consensus splice site. ClinVar contains an entry for this variant (Variation ID: 1396529).

Literature cited by the submitters: PubMed 19574547.

NC_000011.10:g.47336007_47336016del

Gene: MYBPC3 (myosin binding protein C3; minus strand). Cytogenetic location: 11p11.2.
Variant type: Deletion.
Genome position: GRCh38 VCF-style: chr11-47336001-GCTGGGGGGAC-G. GRCh37 (hg19) VCF-style: chr11-47357552-GCTGGGGGGAC-G.
Identifiers: ClinVar variation 1396529 (VCV001396529.6), ClinGen allele CA2573146377.